The following is an entry in ClinVar:

NM_016529.6(ATP8A2):c.3469+1G>C

Gene: ATP8A2 (ATPase phospholipid transporting 8A2). Cytogenetic location: 13q12.13.
Variant type: single nucleotide variant.
Coding change: c.3469+1G>C on transcript NM_016529.6 (MANE Select); the canonical splice donor site of the intron after coding-DNA position 3469, G replaced by C.
Molecular consequence: splice donor variant.
Genome position (GRCh38, 1-based): chr13:26,012,623, G>C. VCF-style: chr13-26012623-G-C. GRCh37 (hg19) VCF-style: chr13-26586761-G-C.
Other names: c.3394+1G>C (NM_001411005.1); c.3274+1G>C (NM_001313741.1).
Identifiers: ClinVar variation 1029609 (VCV001029609.1), dbSNP rs763272441, ClinGen allele CA247152162.

ClinVar aggregate classification (germline): Likely pathogenic (1 of 4 stars; one submission).

Conditions:
Cerebellar ataxia, impaired intellectual development, and dysequilibrium syndrome 4. Also called: CEREBELLAR ATAXIA AND MENTAL RETARDATION WITH OR WITHOUT QUADRUPEDAL LOCOMOTION 4; Cerebellar ataxia, mental retardation, and dysequilibrium syndrome 4; Cerebellar ataxia, intellectual disability, and dysequilibrium syndrome 4. Identifiers: Orphanet 1766, MedGen C3808977, MONDO:0014104, OMIM 615268.

Allele frequency attached by ClinVar (database versions not stated): TOPMed 0.00001; gnomAD exomes below 0.00001.
gnomAD v4.1: 2 of 1,482,426 alleles (0.00013%); highest among the groups gnomAD compares: Non-Finnish European, 0.00018%; no homozygotes.

Submission:

Baylor Genetics
Classification: Likely pathogenic for Cerebellar ataxia, impaired intellectual development, and dysequilibrium syndrome 4. Last evaluated: 2019-08-06. Review status: criteria provided, single submitter. Criteria: ACMG Guidelines, 2015. Collection method: clinical testing. Allele origin: unknown. Affected: yes.
Comment: This variant was determined to be likely pathogenic according to ACMG Guidelines, 2015 [PMID:25741868].